The following is an entry in ClinVar:

ClinVar aggregate classification (germline): Uncertain significance. Review status: criteria provided, multiple submitters, no conflicts (2 of 4 stars). 2 submissions from 2 submitters: Uncertain significance (2). Last evaluated 2024-08-12.

Allele frequency attached by ClinVar (database versions not stated): gnomAD exomes below 0.00001 and 0.00001; ExAC 0.00001; gnomAD 0.00001; TOPMed 0.00002; ESP Exome Variant Server 0.00008.
gnomAD v4.1: 5 of 1,613,370 alleles (0.00031%); highest among the groups gnomAD compares: African/African-American, 0.004%; no homozygotes.

Submissions (2):

Labcorp Genetics (formerly Invitae), Labcorp
Classification: Uncertain significance. Last evaluated: 2024-08-12. Review status: criteria provided, single submitter. Criteria: Invitae Variant Classification Sherloc (09022015). Collection method: clinical testing. Allele origin: germline.
Comment: This sequence change replaces aspartic acid, which is acidic and polar, with tyrosine, which is neutral and polar, at codon 832 of the RP1 protein (p.Asp832Tyr). This variant is present in population databases (rs371471873, gnomAD 0.007%). This variant has not been reported in the literature in individuals affected with RP1-related conditions. ClinVar contains an entry for this variant (Variation ID: 288339). An algorithm developed to predict the effect of missense changes on protein structure and function outputs the following: PolyPhen-2: "Benign". The tyrosine amino acid residue is found in multiple mammalian species, which suggests that this missense change does not adversely affect protein function. In summary, the available evidence is currently insufficient to determine the role of this variant in disease. Therefore, it has been classified as a Variant of Uncertain Significance.

Eurofins Ntd Llc (ga)
Classification: Uncertain significance. Last evaluated: 2016-07-05. Review status: criteria provided, single submitter. Criteria: EGL Classification Definitions 2015. Collection method: clinical testing. Allele origin: germline. Observed: 1 variant allele, 1 heterozygote.

NM_006269.2(RP1):c.2494G>T (p.Asp832Tyr)

Gene: RP1 (RP1 axonemal microtubule associated; plus strand). Cytogenetic location: 8q12.1.
Variant type: single nucleotide variant.
Coding change: c.2494G>T on transcript NM_006269.2 (MANE Select); coding-DNA position 2494, G replaced by T.
Protein change: p.Asp832Tyr; replaces aspartic acid 832 with tyrosine.
Molecular consequence: missense variant.
Genome position (GRCh38, 1-based): chr8:54,626,376, G>T. VCF-style: chr8-54626376-G-T. GRCh37 (hg19) VCF-style: chr8-55538936-G-T.
Other names: short protein forms D832Y.
Identifiers: ClinVar variation 288339 (VCV000288339.15), dbSNP rs371471873, ClinGen allele CA4751546.